The following is an entry in ClinVar:

ClinVar aggregate classification (germline): Likely benign. Review status: criteria provided, multiple submitters, no conflicts (2 of 4 stars). 4 submissions from 4 submitters: Likely benign (4). Last evaluated 2025-12-02.

Conditions:
Inborn genetic diseases. Identifiers: MedGen C0950123, MeSH D030342.
Autosomal dominant intellectual disability-craniofacial anomalies-cardiac defects syndrome (ARTHS). Also called: Arboleda-Tham syndrome; Mental retardation, autosomal dominant 32; KAT6A syndrome. Identifiers: Orphanet 457193, MedGen C4225396, MONDO:0014558, OMIM 616268.

Allele frequency attached by ClinVar (database versions not stated): gnomAD 0.00006 and 0.00007; TOPMed 0.00007; gnomAD exomes 0.00010 and 0.00014; ExAC 0.00015.
gnomAD v4.1: 150 of 1,613,868 alleles (0.0093%); highest among the groups gnomAD compares: South Asian, 0.02%; 2 homozygotes.

Submissions (4):

Labcorp Genetics (formerly Invitae), Labcorp
Classification: Likely benign. Last evaluated: 2025-12-02. Review status: criteria provided, single submitter. Criteria: Invitae Variant Classification Sherloc (09022015). Collection method: clinical testing. Allele origin: germline.

CeGaT Center for Human Genetics Tuebingen
Classification: Likely benign. Last evaluated: 2024-02-01. Review status: criteria provided, single submitter. Criteria: CeGaT Center For Human Genetics Tuebingen Variant Classification Criteria Version 2. Collection method: clinical testing. Allele origin: germline. Affected: yes. Observed: 2 variant alleles.
Comment: KAT6A: BS2

Ambry Genetics
Classification: Likely benign for Inborn genetic diseases. Last evaluated: 2022-03-16. Review status: criteria provided, single submitter. Criteria: Ambry Variant Classification Scheme 2023. Collection method: clinical testing. Allele origin: germline.

Genomic Research Center, Shahid Beheshti University of Medical Sciences
Classification: Likely benign for Autosomal dominant intellectual disability-craniofacial anomalies-cardiac defects syndrome. Last evaluated: 2018-03-05. Review status: criteria provided, single submitter. Criteria: ACMG Guidelines, 2015. Collection method: clinical testing. Allele origin: inherited. Affected: yes. Observed: 1 variant allele.

NM_006766.5(KAT6A):c.2983G>A (p.Glu995Lys)

Gene: KAT6A (lysine acetyltransferase 6A; minus strand). Cytogenetic location: 8p11.21.
Variant type: single nucleotide variant.
Coding change: c.2983G>A on transcript NM_006766.5 (MANE Select); coding-DNA position 2983, G replaced by A.
Protein change: p.Glu995Lys; replaces glutamic acid 995 with lysine.
Molecular consequence: missense variant.
Genome position (GRCh38, 1-based): chr8:41,940,898, C>T on the plus strand (G>A on the coding strand, the complement: KAT6A is on the minus strand). VCF-style: chr8-41940898-C-T. GRCh37 (hg19) VCF-style: chr8-41798416-C-T.
Other names: c.2983G>A (NM_006766.3); short protein forms E995K.
Identifiers: ClinVar variation 548600 (VCV000548600.35), dbSNP rs779315883, ClinGen allele CA4729788.